The following is an entry in ClinVar:

NM_003072.5(SMARCA4):c.4818G>C (p.Gln1606His)

Gene: SMARCA4 (SWI/SNF related BAF chromatin remodeling complex subunit ATPase 4; plus strand). Cytogenetic location: 19p13.2.
Variant type: single nucleotide variant.
Coding change: c.4818G>C on transcript NM_003072.5 (MANE Select); coding-DNA position 4818, G replaced by C.
Protein change: p.Gln1606His; replaces glutamine 1606 with histidine.
Molecular consequence: missense variant. On other transcripts: non-coding transcript variant (1).
Genome position (GRCh38, 1-based): chr19:11,060,094, G>C. VCF-style: chr19-11060094-G-C. GRCh37 (hg19) VCF-style: chr19-11170770-G-C.
Other names: c.4719G>C, p.Gln1573His (NM_001374457.1, NM_001128847.4); c.4914G>C, p.Gln1638His (NM_001387283.1, NM_001128849.3); c.4815G>C, p.Gln1605His (NM_001411150.1); c.4818G>C, p.Gln1606His (NM_001128844.3); c.4728G>C, p.Gln1576His (NM_001128845.2); c.4725G>C, p.Gln1575His (NM_001128846.2); c.4716G>C, p.Gln1572His (NM_001128848.2); short protein forms Q1573H, Q1605H, Q1606H, Q1638H, Q1572H, Q1575H, Q1576H.
Identifiers: ClinVar variation 4170151 (VCV004170151.1).
Genomic context (GRCh38, chr19:11,060,094, plus strand): 5'-GTCCCCTCCAGCTCGGTCCGTCAAAGTGAAGATCAAGCTTGGCCGGAAGGAGAAGGCACA[G>C]GACCGGCTGAAGGGCGGCCGGCGGCGGCCGAGCCGAGGGTCCCGAGCCAAGCCGGTCGTG-3'
Protein context (NP_003063.2, residues 1596-1616): KIKLGRKEKA[Gln1606His]DRLKGGRRRP

ClinVar aggregate classification (germline): Uncertain significance (1 of 4 stars; one submission).

Conditions:
Hereditary cancer-predisposing syndrome. Also called: Neoplastic Syndromes, Hereditary; Tumor predisposition; Hereditary Cancer Syndrome; Hereditary neoplastic syndrome. Identifiers: Orphanet 140162, MedGen C0027672, MeSH D009386, MONDO:0015356.

gnomAD v4.1: 2 of 1,552,950 alleles (0.00013%); highest among the groups gnomAD compares: Non-Finnish European, 0.00017%; no homozygotes.

Submission:

Ambry Genetics
Classification: Uncertain significance for Hereditary cancer-predisposing syndrome. Last evaluated: 2025-07-09. Review status: criteria provided, single submitter. Criteria: Ambry Variant Classification Scheme 2023. Collection method: clinical testing. Allele origin: germline.
Comment: The p.Q1638H variant (also known as c.4914G>C), located in coding exon 34 of the SMARCA4 gene, results from a G to C substitution at nucleotide position 4914. The glutamine at codon 1638 is replaced by histidine, an amino acid with highly similar properties. This amino acid position is conserved. In addition, this alteration is predicted to be tolerated by in silico analysis. Based on the available evidence, the clinical significance of this variant remains unclear.